The following is an entry in ClinVar:

NM_001715.3(BLK):c.1156G>A (p.Asp386Asn)

Gene: BLK (BLK proto-oncogene, Src family tyrosine kinase). Cytogenetic location: 8p23.1.
Variant type: single nucleotide variant.
Coding change: c.1156G>A on transcript NM_001715.3 (MANE Select); coding-DNA position 1156, G replaced by A.
Protein change: p.Asp386Asn; replaces aspartic acid 386 with asparagine.
Molecular consequence: missense variant.
Genome position (GRCh38, 1-based): chr8:11,561,428, G>A. VCF-style: chr8-11561428-G-A. GRCh37 (hg19) VCF-style: chr8-11418937-G-A.
Other names: c.943G>A, p.Asp315Asn (NM_001330465.2); c.1156G>A (NM_001715.2); short protein forms D386N, D315N.
Identifiers: ClinVar variation 3002989 (VCV003002989.4), dbSNP rs940498822, ClinGen allele CA4630386.

ClinVar aggregate classification (germline): Uncertain significance (1 of 4 stars; one submission).

Conditions:
Maturity-onset diabetes of the young type 11. Identifiers: Orphanet 552, MedGen C3150618, MONDO:0013242, OMIM 613375.

Allele frequency attached by ClinVar (database versions not stated): ExAC 0.00003; gnomAD 0.00001; TOPMed 0.00001.
gnomAD v4.1: 33 of 1,613,778 alleles (0.002%); highest among the groups gnomAD compares: South Asian, 0.0088%; no homozygotes.

Submission:

Labcorp Genetics (formerly Invitae), Labcorp
Classification: Uncertain significance. Last evaluated: 2024-01-04. Review status: criteria provided, single submitter. Criteria: Invitae Variant Classification Sherloc (09022015). Collection method: clinical testing. Allele origin: germline.
Comment: This sequence change replaces aspartic acid, which is acidic and polar, with asparagine, which is neutral and polar, at codon 386 of the BLK protein (p.Asp386Asn). This variant is present in population databases (no rsID available, gnomAD 0.02%). This variant has not been reported in the literature in individuals affected with BLK-related conditions. An algorithm developed to predict the effect of missense changes on protein structure and function (PolyPhen-2) suggests that this variant is likely to be disruptive. In summary, the available evidence is currently insufficient to determine the role of this variant in disease. Therefore, it has been classified as a Variant of Uncertain Significance.